The following is an entry in ClinVar:

NM_004304.5(ALK):c.455A>T (p.Glu152Val)

Gene: ALK (ALK receptor tyrosine kinase; minus strand). Cytogenetic location: 2p23.1.
Variant type: single nucleotide variant.
Coding change: c.455A>T on transcript NM_004304.5 (MANE Select); coding-DNA position 455, A replaced by T.
Protein change: p.Glu152Val; replaces glutamic acid 152 with valine.
Molecular consequence: missense variant.
Genome position (GRCh38, 1-based): chr2:29,920,205, T>A on the plus strand (A>T on the coding strand, the complement: ALK is on the minus strand). VCF-style: chr2-29920205-T-A. GRCh37 (hg19) VCF-style: chr2-30143071-T-A.
Other names: short protein forms E152V.
Identifiers: ClinVar variation 3644449 (VCV003644449.2).

ClinVar aggregate classification (germline): Uncertain significance (1 of 4 stars; one submission).

Conditions:
Neuroblastoma, susceptibility to, 3. Also called: ALK-Related Neuroblastic Tumor Susceptibility. Identifiers: Orphanet 635, MedGen C2751681, MONDO:0013083, OMIM 613014.

Submission:

Labcorp Genetics (formerly Invitae), Labcorp
Classification: Uncertain significance for Neuroblastoma, susceptibility to, 3. Last evaluated: 2024-03-04. Review status: criteria provided, single submitter. Criteria: Invitae Variant Classification Sherloc (09022015). Collection method: clinical testing. Allele origin: germline.
Comment: This sequence change replaces glutamic acid, which is acidic and polar, with valine, which is neutral and non-polar, at codon 152 of the ALK protein (p.Glu152Val). This variant is not present in population databases (gnomAD no frequency). This variant has not been reported in the literature in individuals affected with ALK-related conditions. An algorithm developed to predict the effect of missense changes on protein structure and function (PolyPhen-2) suggests that this variant is likely to be disruptive. In summary, the available evidence is currently insufficient to determine the role of this variant in disease. Therefore, it has been classified as a Variant of Uncertain Significance.